The following is an entry in ClinVar:

NM_017849.4(TMEM127):c.509A>G (p.Tyr170Cys)

Gene: TMEM127 (transmembrane protein 127; minus strand). Cytogenetic location: 2q11.2.
Variant type: single nucleotide variant.
Coding change: c.509A>G on transcript NM_017849.4 (MANE Select); coding-DNA position 509, A replaced by G.
Protein change: p.Tyr170Cys; replaces tyrosine 170 with cysteine.
Molecular consequence: missense variant.
Genome position (GRCh38, 1-based): chr2:96,254,016, T>C on the plus strand (A>G on the coding strand, the complement: TMEM127 is on the minus strand). VCF-style: chr2-96254016-T-C. GRCh37 (hg19) VCF-style: chr2-96919754-T-C.
Other names: c.509A>G, p.Tyr170Cys (NM_001193304.3); c.257A>G, p.Tyr86Cys (NM_001407282.1, NM_001407283.1); short protein forms Y86C, Y170C.
Identifiers: ClinVar variation 1745311 (VCV001745311.2), dbSNP rs2104284684, ClinGen allele CA347652649.

ClinVar aggregate classification (germline): Uncertain significance (1 of 4 stars; one submission).

Conditions:
Hereditary cancer-predisposing syndrome. Also called: Hereditary Cancer Syndrome; Neoplastic Syndromes, Hereditary; Tumor predisposition; Hereditary neoplastic syndrome. Identifiers: Orphanet 140162, MedGen C0027672, MeSH D009386, MONDO:0015356.

Submission:

Ambry Genetics
Classification: Uncertain significance for Hereditary cancer-predisposing syndrome. Last evaluated: 2022-04-21. Review status: criteria provided, single submitter. Criteria: Ambry Variant Classification Scheme 2023. Collection method: clinical testing. Allele origin: germline.
Comment: The p.Y170C variant (also known as c.509A>G), located in coding exon 3 of the TMEM127 gene, results from an A to G substitution at nucleotide position 509. The tyrosine at codon 170 is replaced by cysteine, an amino acid with highly dissimilar properties. This amino acid position is conserved. In addition, this alteration is predicted to be deleterious by in silico analysis. Since supporting evidence is limited at this time, the clinical significance of this alteration remains unclear.